The following is an entry in ClinVar:

NC_000017.10:g.(?_59937147)_(59937278_?)del

Gene: BRIP1 (BRCA1 interacting DNA helicase 1; minus strand). Cytogenetic location: 17q23.2.
Variant type: Deletion.
Identifiers: ClinVar variation 2426995 (VCV002426995.4).

ClinVar aggregate classification (germline): Pathogenic (1 of 4 stars; one submission).

Conditions:
Familial cancer of breast. Also called: BREAST CANCER, FAMILIAL; hereditary breast carcinoma; Hereditary breast cancer. Identifiers: Orphanet 227535, MedGen C0346153, MONDO:0016419, OMIM 114480. Disease mechanism: loss of function.
Fanconi anemia complementation group J. Also called: BRIP1-Related Fanconi Anemia. Identifiers: Orphanet 84, MedGen C1836860, MONDO:0012187, OMIM 609054.

Submission:

Labcorp Genetics (formerly Invitae), Labcorp
Classification: Pathogenic for Familial cancer of breast; Fanconi anemia complementation group J. Last evaluated: 2022-10-03. Review status: criteria provided, single submitter. Criteria: Invitae Variant Classification Sherloc (09022015). Collection method: clinical testing. Allele origin: germline.
Comment: For these reasons, this variant has been classified as Pathogenic. This variant has not been reported in the literature in individuals affected with BRIP1-related conditions. This variant is a gross deletion of the genomic region encompassing exon(s) 3 of the BRIP1 gene. This deletion is out-of-frame, and is expected to create a premature termination codon and result in an absent or disrupted protein product. Loss-of-function variants in BRIP1 are known to be pathogenic (PMID: 16116423, 17033622, 21964575).

Literature cited by the submitters: PubMed 16116423; PubMed 17033622; PubMed 21964575.